The following is an entry in ClinVar:

ClinVar aggregate classification (germline): Conflicting classifications of pathogenicity. Review status: criteria provided, conflicting classifications (1 of 4 stars). 2 submissions from 2 submitters: Uncertain significance (1); Likely benign (1). Last evaluated 2023-03-23.

Conditions:
Hereditary cancer-predisposing syndrome. Also called: Neoplastic Syndromes, Hereditary; Tumor predisposition; Hereditary Cancer Syndrome; Hereditary neoplastic syndrome. Identifiers: Orphanet 140162, MedGen C0027672, MeSH D009386, MONDO:0015356.

Submissions (2):

University of Washington Department of Laboratory Medicine, University of Washington
Classification: Likely benign for Hereditary cancer-predisposing syndrome. Last evaluated: 2023-03-23. Review status: criteria provided, single submitter. Criteria: Dines et al. (Genet Med. 2020). Collection method: curation. Allele origin: germline.
Comment: Missense variant in a coldspot region where missense variants are very unlikely to be pathogenic (PMID:31911673).

BRCA1 coldspot (exon 11 using historical exon numbering). Reclassification based on statistical prior probability

Ambry Genetics
Classification: Uncertain significance for Hereditary cancer-predisposing syndrome. Last evaluated: 2017-04-11. Review status: criteria provided, single submitter. Criteria: Ambry Variant Classification Scheme 2023. Collection method: clinical testing. Allele origin: germline.
Comment: The p.S708C variant (also known as c.2123C>G), located in coding exon 9 of the BRCA1 gene, results from a C to G substitution at nucleotide position 2123. The serine at codon 708 is replaced by cysteine, an amino acid with dissimilar properties. This variant has been reported in French breast/ovarian cancer families (Anczuk&oacute;w O et al. Genes Chromosomes Cancer. 2008 May;47:418-26). This amino acid position is poorly conserved in available vertebrate species. In addition, this alteration is predicted to be tolerated by in silico analysis. Since supporting evidence is limited at this time, the clinical significance of this alteration remains unclear.

Literature cited by the submitters: PubMed 18273839 (cited by Ambry Genetics).

NM_007294.4(BRCA1):c.2123C>G (p.Ser708Cys)

Gene: BRCA1 (BRCA1 DNA repair associated; minus strand). Cytogenetic location: 17q21.31.
Variant type: single nucleotide variant.
Coding change: c.2123C>G on transcript NM_007294.4 (MANE Select); coding-DNA position 2123, C replaced by G.
Protein change: p.Ser708Cys; replaces serine 708 with cysteine.
Molecular consequence: missense variant. On other transcripts: intron variant (137).
Genome position (GRCh38, 1-based): chr17:43,093,408, G>C on the plus strand (C>G on the coding strand, the complement: BRCA1 is on the minus strand). VCF-style: chr17-43093408-G-C. GRCh37 (hg19) VCF-style: chr17-41245425-G-C.
Other names: c.1910C>G, p.Ser637Cys (NM_001407571.1, NM_001407853.1, NM_001407894.1 and 9 more transcripts); c.2123C>G, p.Ser708Cys (NM_001407581.1, NM_001407582.1, NM_001407583.1 and 30 more transcripts); c.2120C>G, p.Ser707Cys (NM_001407587.1, NM_001407590.1, NM_001407591.1 and 22 more transcripts); c.2114C>G, p.Ser705Cys (NM_001407646.1, NM_001407647.1); c.2000C>G, p.Ser667Cys (NM_001407648.1, NM_001407664.1, NM_001407665.1 and 19 more transcripts); c.1997C>G, p.Ser666Cys (NM_001407649.1, NM_001407670.1, NM_001407671.1 and 11 more transcripts); c.2045C>G, p.Ser682Cys (NM_001407653.1, NM_001407654.1, NM_001407655.1 and 4 more transcripts); c.2042C>G, p.Ser681Cys (NM_001407659.1, NM_001407660.1, NM_001407661.1 and 1 more transcripts); and 41 more; short protein forms S708C, S661C, S540C, S681C, S580C, S596C, S597C, S620C.
Identifiers: ClinVar variation 485400 (VCV000485400.8), dbSNP rs80357182, ClinGen allele CA10597758.